The following is an entry in ClinVar:

NM_003072.5(SMARCA4):c.639G>A (p.Met213Ile)

Gene: SMARCA4 (SWI/SNF related BAF chromatin remodeling complex subunit ATPase 4; plus strand). Cytogenetic location: 19p13.2.
Variant type: single nucleotide variant.
Coding change: c.639G>A on transcript NM_003072.5 (MANE Select); coding-DNA position 639, G replaced by A.
Protein change: p.Met213Ile; replaces methionine 213 with isoleucine.
Molecular consequence: missense variant. On other transcripts: non-coding transcript variant (1).
Genome position (GRCh38, 1-based): chr19:10,986,472, G>A. VCF-style: chr19-10986472-G-A. GRCh37 (hg19) VCF-style: chr19-11097148-G-A.
Other names: c.639G>A, p.Met213Ile (NM_001128844.3, NM_001128845.2, NM_001128846.2 and 6 more transcripts); short protein forms M213I.
Identifiers: ClinVar variation 1753280 (VCV001753280.7), dbSNP rs2514002304, ClinGen allele CA404056731.

ClinVar aggregate classification (germline): Uncertain significance. Review status: criteria provided, multiple submitters, no conflicts (2 of 4 stars). 2 submissions from 2 submitters: Uncertain significance (2). Last evaluated 2023-05-27.

Conditions:
Hereditary cancer-predisposing syndrome. Also called: Neoplastic Syndromes, Hereditary; Tumor predisposition; Hereditary Cancer Syndrome; Hereditary neoplastic syndrome. Identifiers: Orphanet 140162, MedGen C0027672, MeSH D009386, MONDO:0015356.
Rhabdoid tumor predisposition syndrome 2 (RTPS2). Identifiers: Orphanet 231108, Orphanet 69077, MedGen C2750074, MONDO:0013224, OMIM 613325.

Allele frequency attached by ClinVar (database versions not stated): gnomAD exomes below 0.00001.
gnomAD v4.1: 1 of 1,554,724 alleles (0.000064%); highest among the groups gnomAD compares: Non-Finnish European, 0.000087%; no homozygotes.

Submissions (2):

Labcorp Genetics (formerly Invitae), Labcorp
Classification: Uncertain significance for Rhabdoid tumor predisposition syndrome 2. Last evaluated: 2023-05-27. Review status: criteria provided, single submitter. Criteria: Invitae Variant Classification Sherloc (09022015). Collection method: clinical testing. Allele origin: germline.
Comment: In summary, the available evidence is currently insufficient to determine the role of this variant in disease. Therefore, it has been classified as a Variant of Uncertain Significance. Advanced modeling of protein sequence and biophysical properties (such as structural, functional, and spatial information, amino acid conservation, physicochemical variation, residue mobility, and thermodynamic stability) performed at Invitae indicates that this missense variant is not expected to disrupt SMARCA4 protein function. ClinVar contains an entry for this variant (Variation ID: 1753280). This variant has not been reported in the literature in individuals affected with SMARCA4-related conditions. This variant is not present in population databases (gnomAD no frequency). This sequence change replaces methionine, which is neutral and non-polar, with isoleucine, which is neutral and non-polar, at codon 213 of the SMARCA4 protein (p.Met213Ile).

Ambry Genetics
Classification: Uncertain significance for Hereditary cancer-predisposing syndrome. Last evaluated: 2021-11-01. Review status: criteria provided, single submitter. Criteria: Ambry Variant Classification Scheme 2023. Collection method: clinical testing. Allele origin: germline.
Comment: The p.M213I variant (also known as c.639G>A), located in coding exon 3 of the SMARCA4 gene, results from a G to A substitution at nucleotide position 639. The methionine at codon 213 is replaced by isoleucine, an amino acid with highly similar properties. This amino acid position is well conserved in available vertebrate species. In addition, the in silico prediction for this alteration is inconclusive. Missense and in-frame variants in SMARCA4 are known to cause neurodevelopmental disorders; however, such associations with rhabdoid tumor predisposition syndrome including small cell carcinoma of the ovary-hypercalcemic type (SCCOHT) are exceedingly rare (Kosho T et al. Am J Med Genet C Semin Med Genet. 2014 Sep;166C(3):262-75; Jelinic P et al. Nat Genet. 2014 May;46(5):424-6). Based on the supporting evidence, the association of this alteration with Coffin-Siris syndrome is unknown; however, the association of this alteration with rhabdoid tumor predisposition syndrome is unlikely.